The following is an entry in ClinVar:

ClinVar aggregate classification (germline): Uncertain significance (1 of 4 stars; one submission).

Conditions:
Ataxia-telangiectasia syndrome (AT). Also called: LOUIS-BAR SYNDROME; Cerebello-oculocutaneous telangiectasia; Immunodeficiency with ataxia telangiectasia; Ataxia-telangiectasia, complementation group D; AT, COMPLEMENTATION GROUP C; ATAXIA-TELANGIECTASIA, COMPLEMENTATION GROUP A. Identifiers: Orphanet 100, MedGen C0004135, MONDO:0008840, OMIM 208900.

Submission:

Labcorp Genetics (formerly Invitae), Labcorp
Classification: Uncertain significance for Ataxia-telangiectasia syndrome. Last evaluated: 2025-07-30. Review status: criteria provided, single submitter. Criteria: Invitae Variant Classification Sherloc (09022015). Collection method: clinical testing. Allele origin: germline.
Comment: This sequence change replaces serine, which is neutral and polar, with proline, which is neutral and non-polar, at codon 2058 of the ATM protein (p.Ser2058Pro). This variant is not present in population databases (gnomAD no frequency). This variant has not been reported in the literature in individuals affected with ATM-related conditions. Invitae Evidence Modeling of protein sequence and biophysical properties (such as structural, functional, and spatial information, amino acid conservation, physicochemical variation, residue mobility, and thermodynamic stability) indicates that this missense variant is not expected to disrupt ATM protein function with a negative predictive value of 95%. In summary, the available evidence is currently insufficient to determine the role of this variant in disease. Therefore, it has been classified as a Variant of Uncertain Significance.

NM_000051.4(ATM):c.6172T>C (p.Ser2058Pro)

Genes: ATM (ATM serine/threonine kinase; plus strand), C11orf65 (chromosome 11 open reading frame 65; minus strand). Cytogenetic location: 11q22.3.
Variant type: single nucleotide variant.
Coding change: c.6172T>C on transcript NM_000051.4 (MANE Select); coding-DNA position 6172, T replaced by C.
Protein change: p.Ser2058Pro; replaces serine 2058 with proline.
Molecular consequence: missense variant. On other transcripts: intron variant (2).
Genome position (GRCh38, 1-based): chr11:108,316,087, T>C. VCF-style: chr11-108316087-T-C. GRCh37 (hg19) VCF-style: chr11-108186814-T-C.
Other names: c.6172T>C, p.Ser2058Pro (NM_001351834.2); c.641-7016A>G (NM_001330368.2); c.*39-7016A>G (NM_001351110.2); short protein forms S2058P.
Identifiers: ClinVar variation 4811706 (VCV004811706.1).